The following is an entry in ClinVar:

NM_002294.3(LAMP2):c.520C>A (p.Gln174Lys)

Gene: LAMP2 (lysosome associated membrane protein 2; minus strand). Cytogenetic location: Xq24.
Variant type: single nucleotide variant.
Coding change: c.520C>A on transcript NM_002294.3 (MANE Select); coding-DNA position 520, C replaced by A.
Protein change: p.Gln174Lys; replaces glutamine 174 with lysine.
Molecular consequence: missense variant.
Genome position (GRCh38, 1-based): chrX:120,449,006, G>T on the plus strand (C>A on the coding strand, the complement: LAMP2 is on the minus strand). VCF-style: chrX-120449006-G-T. GRCh37 (hg19) VCF-style: chrX-119582861-G-T.
Other names: c.520C>A, p.Gln174Lys (NM_001122606.1, NM_013995.2); short protein forms Q174K.
Identifiers: ClinVar variation 855949 (VCV000855949.13), dbSNP rs104894857, ClinGen allele CA414401957.

ClinVar aggregate classification (germline): Uncertain significance. Review status: criteria provided, multiple submitters, no conflicts (2 of 4 stars). 3 submissions from 3 submitters: Uncertain significance (3). Last evaluated 2024-08-03.

Conditions:
Cardiovascular phenotype. Identifiers: MedGen CN230736.
Danon disease. Also called: PSEUDOGLYCOGENOSIS II; GSD IIb; LYSOSOMAL GLYCOGEN STORAGE DISEASE WITHOUT ACID MALTASE DEFICIENCY; ANTOPOL DISEASE; Glycogen Storage Disease Type IIb. Identifiers: Orphanet 34587, MedGen C0878677, MONDO:0010281, OMIM 300257.

Allele frequency attached by ClinVar (database versions not stated): gnomAD exomes below 0.00001; gnomAD 0.00001.
gnomAD v4.1: 2 of 1,207,951 alleles (0.00017%); highest among the groups gnomAD compares: African/African-American, 0.0035%; no homozygotes.

Submissions (3):

Labcorp Genetics (formerly Invitae), Labcorp
Classification: Uncertain significance for Danon disease. Last evaluated: 2024-08-03. Review status: criteria provided, single submitter. Criteria: Invitae Variant Classification Sherloc (09022015). Collection method: clinical testing. Allele origin: germline.
Comment: This sequence change replaces glutamine, which is neutral and polar, with lysine, which is basic and polar, at codon 174 of the LAMP2 protein (p.Gln174Lys). This variant is not present in population databases (gnomAD no frequency). This variant has not been reported in the literature in individuals affected with LAMP2-related conditions. ClinVar contains an entry for this variant (Variation ID: 855949). Advanced modeling of protein sequence and biophysical properties (such as structural, functional, and spatial information, amino acid conservation, physicochemical variation, residue mobility, and thermodynamic stability) performed at Invitae indicates that this missense variant is expected to disrupt LAMP2 protein function with a positive predictive value of 80%. In summary, the available evidence is currently insufficient to determine the role of this variant in disease. Therefore, it has been classified as a Variant of Uncertain Significance.

Ambry Genetics
Classification: Uncertain significance for Cardiovascular phenotype. Last evaluated: 2023-07-13. Review status: criteria provided, single submitter. Criteria: Ambry Variant Classification Scheme 2023. Collection method: clinical testing. Allele origin: germline.
Comment: The p.Q174K variant (also known as c.520C>A), located in coding exon 4 of the LAMP2 gene, results from a C to A substitution at nucleotide position 520. The glutamine at codon 174 is replaced by lysine, an amino acid with similar properties. This amino acid position is highly conserved in available vertebrate species. In addition, this alteration is predicted to be deleterious by in silico analysis. Since supporting evidence is limited at this time, the clinical significance of this alteration remains unclear.

GeneDx
Classification: Uncertain significance. Last evaluated: 2019-08-26. Review status: criteria provided, single submitter. Criteria: GeneDx Variant Classification Process June 2021. Collection method: clinical testing. Allele origin: germline. Affected: yes.
Comment: Not observed in large population cohorts (Lek et al., 2016); In silico analysis, which includes protein predictors and evolutionary conservation, supports a deleterious effect; Has not been previously published as pathogenic or benign to our knowledge